The following is an entry in ClinVar:

NM_000256.3(MYBPC3):c.1730G>A (p.Trp577Ter)

Gene: MYBPC3 (myosin binding protein C3; minus strand). Cytogenetic location: 11p11.2.
Variant type: single nucleotide variant.
Coding change: c.1730G>A on transcript NM_000256.3 (MANE Select); coding-DNA position 1730, G replaced by A.
Protein change: p.Trp577Ter; replaces tryptophan 577 with a stop codon.
Molecular consequence: nonsense.
Genome position (GRCh38, 1-based): chr11:47,342,051, C>T on the plus strand (G>A on the coding strand, the complement: MYBPC3 is on the minus strand). VCF-style: chr11-47342051-C-T. GRCh37 (hg19) VCF-style: chr11-47363602-C-T.
Other names: short protein forms W577*.
Identifiers: ClinVar variation 1069890 (VCV001069890.10), dbSNP rs2095889156, ClinGen allele CA380324281.

ClinVar aggregate classification (germline): Pathogenic. Review status: criteria provided, multiple submitters, no conflicts (2 of 4 stars). 3 submissions from 3 submitters: Pathogenic (3). Last evaluated 2026-03-08.

Conditions:
Hypertrophic cardiomyopathy. Also called: HYPERTROPHIC MYOCARDIOPATHY. Identifiers: Orphanet 217569, MedGen C0007194, MeSH D002312, MONDO:0005045, HP:0001639.
Cardiovascular phenotype. Identifiers: MedGen CN230736.

Submissions (3):

GeneDx
Classification: Pathogenic. Last evaluated: 2026-03-08. Review status: criteria provided, single submitter. Criteria: GeneDx Variant Classification Process June 2021. Collection method: clinical testing. Allele origin: germline.
Comment: Nonsense variant predicted to result in protein truncation or nonsense mediated decay in a gene for which loss of function is a known mechanism of disease; Identified in patients with HCM referred for genetic testing at GeneDx and in published literature (PMID: 21425739, 22857948); Not observed at significant frequency in large population cohorts (gnomAD); This variant is associated with the following publications: (PMID: 21425739, 37652022, 22857948, 27535533)

Ambry Genetics
Classification: Pathogenic for Cardiovascular phenotype. Last evaluated: 2026-01-05. Review status: criteria provided, single submitter. Criteria: Ambry Variant Classification Scheme 2023. Collection method: clinical testing. Allele origin: germline.
Comment: The p.W577* pathogenic mutation (also known as c.1730G>A), located in coding exon 18 of the MYBPC3 gene, results from a G to A substitution at nucleotide position 1730. This changes the amino acid from a tryptophan to a stop codon within coding exon 18. This variant was reported in individual(s) with features consistent with hypertrophic cardiomyopathy (HCM) (Santos S et al. Rev Port Cardiol, 2011 Jan;30:7-18; Brito D et al. Rev Port Cardiol, 2012 Sep;31:577-87; Chumakova OS et al. Genes (Basel), 2023 Nov;14:[ePub ahead of print]; Oktay V et al. Anatol J Cardiol, 2023 Nov;27:628-638; Ambry internal data). This variant is considered to be rare based on population cohorts in the Genome Aggregation Database (gnomAD). This alteration is expected to result in loss of function by premature protein truncation or nonsense-mediated mRNA decay. As such, this alteration is interpreted as a disease-causing mutation.

Labcorp Genetics (formerly Invitae), Labcorp
Classification: Pathogenic for Hypertrophic cardiomyopathy. Last evaluated: 2024-11-09. Review status: criteria provided, single submitter. Criteria: Invitae Variant Classification Sherloc (09022015). Collection method: clinical testing. Allele origin: germline.
Comment: This sequence change creates a premature translational stop signal (p.Trp577*) in the MYBPC3 gene. It is expected to result in an absent or disrupted protein product. Loss-of-function variants in MYBPC3 are known to be pathogenic (PMID: 19574547). This variant is not present in population databases (gnomAD no frequency). This premature translational stop signal has been observed in individual(s) with hypertrophic cardiomyopathy (PMID: 21425739, 22857948). This variant is also known as c.1727G>A p.W576ter. ClinVar contains an entry for this variant (Variation ID: 1069890). For these reasons, this variant has been classified as Pathogenic.

Literature cited by the submitters: PubMed 21425739 (cited by Ambry Genetics and Labcorp Genetics (formerly Invitae), Labcorp); PubMed 22857948 (cited by Ambry Genetics and Labcorp Genetics (formerly Invitae), Labcorp); PubMed 37466024 (cited by Ambry Genetics); PubMed 38002985 (cited by Ambry Genetics); PubMed 19574547 (cited by Labcorp Genetics (formerly Invitae), Labcorp).